The following is an entry in ClinVar:

NM_004006.3(DMD):c.7781del (p.Gln2594fs)

Gene: DMD (dystrophin; minus strand). Cytogenetic location: Xp21.1.
Variant type: Deletion.
Coding change: c.7781del on transcript NM_004006.3 (MANE Select); coding-DNA position 7781, one base deleted (A; older notation c.7781delA).
Protein change: p.Gln2594fs; shifts the reading frame from glutamine 2594.
Molecular consequence: frameshift variant.
Genome position (GRCh38, 1-based): chrX:31,679,466, T deleted on the plus strand (A on the coding strand, the reverse complement: DMD is on the minus strand). VCF-style (leftmost placement, unchanged base first): chrX-31679465-CT-C. GRCh37 (hg19) VCF-style: chrX-31697582-CT-C.
Other names: c.7781delA (NM_004006.2); c.7757del, p.Gln2586fs (NM_000109.4); c.7769del, p.Gln2590fs (NM_004009.3); c.7412del, p.Gln2471fs (NM_004010.3); c.3758del, p.Gln1253fs (NM_004011.4); c.3749del, p.Gln1250fs (NM_004012.4); c.401del, p.Gln134fs (NM_004013.3, NM_004020.4, NM_004021.3 and 2 more transcripts); short protein forms Q2471fs, Q2594fs, Q1253fs, Q1250fs, Q2586fs, Q2590fs, Q134fs.
Identifiers: ClinVar variation 239612 (VCV000239612.9), dbSNP rs878854621, ClinGen allele CA10583943.

ClinVar aggregate classification (germline): Pathogenic (1 of 4 stars; one submission).

Conditions:
Duchenne muscular dystrophy (DMD). Also called: Duchenne Muscular Dystrophy (DMD); MUSCULAR DYSTROPHY, PSEUDOHYPERTROPHIC PROGRESSIVE, DUCHENNE TYPE. Identifiers: Orphanet 98896, MedGen C0013264, MONDO:0010679, OMIM 310200.

Submission:

Labcorp Genetics (formerly Invitae), Labcorp
Classification: Pathogenic for Duchenne muscular dystrophy. Last evaluated: 2015-12-19. Review status: criteria provided, single submitter. Criteria: Invitae Variant Classification Sherloc (09022015). Collection method: clinical testing. Allele origin: germline.
Comment: While this particular variant has not been reported in the literature, truncating variants in DMD are known to be pathogenic (PMID: 16770791). For these reasons, this variant has been classified as Pathogenic. This sequence change deletes 1 nucleotide in exon 53 of the DMD mRNA (c.7781delA), causing a frameshift at codon 2594. This creates a premature translational stop signal (p.Gln2594Argfs*3) and is expected to result in an absent or disrupted protein product.

Literature cited by the submitters: PubMed 16770791.